The following is an entry in ClinVar:

NM_004360.5(CDH1):c.1098_1099insAA (p.Asp367fs)

Gene: CDH1 (cadherin 1; plus strand). Cytogenetic location: 16q22.1.
Variant type: Insertion.
Coding change: c.1098_1099insAA on transcript NM_004360.5 (MANE Select); coding-DNA positions 1098 to 1099, AA inserted.
Protein change: p.Asp367fs; shifts the reading frame from aspartic acid 367.
Molecular consequence: frameshift variant. On other transcripts: 5 prime UTR variant (2).
Genome position: GRCh38 VCF-style: chr16-68812224-T-TAA. GRCh37 (hg19) VCF-style: chr16-68846127-T-TAA.
Other names: c.1098_1099insAA, p.Asp367fs (NM_001317184.2); c.-518_-517insAA (NM_001317185.2); c.-722_-721insAA (NM_001317186.2); short protein forms D367fs.
Identifiers: ClinVar variation 2583541 (VCV002583541.2), dbSNP rs2543924422, ClinGen allele CA2582342577.
Genomic context (GRCh38, chr16:68,812,224, plus strand): 5'-AGCTGCTGACCTTCAAGGTGAGGGGTTAAGCACAACAGCAACAGCTGTGATCACAGTCAC[T>TAA]GACACCAACGATAATCCTCCGATCTTCAATCCCACCACGGTAATTCTATAACTCCTTAGA-3'

ClinVar aggregate classification (germline): Pathogenic (1 of 4 stars; one submission).

Conditions:
Hereditary diffuse gastric adenocarcinoma (HDGC). Also called: DIFFUSE GASTRIC AND LOBULAR BREAST CANCER SYNDROME. Identifiers: Orphanet 26106, MedGen C1708349, MONDO:0007648, OMIM 137215.

Submission:

Myriad Genetics, Inc.
Classification: Pathogenic for Hereditary diffuse gastric adenocarcinoma. Last evaluated: 2023-06-12. Review status: criteria provided, single submitter. Criteria: Myriad Autosomal Dominant, Autosomal Recessive and X-Linked Classification Criteria (2023). Collection method: clinical testing. Allele origin: unknown.
Comment: This variant is considered pathogenic. This variant creates a frameshift predicted to result in premature protein truncation.